The following is an entry in ClinVar:

NM_003238.6(TGFB2):c.1009G>A (p.Glu337Lys)

Gene: TGFB2 (transforming growth factor beta 2; plus strand). Cytogenetic location: 1q41.
Variant type: single nucleotide variant.
Coding change: c.1009G>A on transcript NM_003238.6 (MANE Select); coding-DNA position 1009, G replaced by A.
Protein change: p.Glu337Lys; replaces glutamic acid 337 with lysine.
Molecular consequence: missense variant. On other transcripts: non-coding transcript variant (2).
Genome position (GRCh38, 1-based): chr1:218,437,419, G>A. VCF-style: chr1-218437419-G-A. GRCh37 (hg19) VCF-style: chr1-218610761-G-A.
Other names: c.1093G>A, p.Glu365Lys (NM_001135599.4); short protein forms E365K, E337K.
Identifiers: ClinVar variation 647139 (VCV000647139.13), dbSNP rs1476361240, ClinGen allele CA344727562.

ClinVar aggregate classification (germline): Uncertain significance. Review status: criteria provided, multiple submitters, no conflicts (2 of 4 stars). 2 submissions from 2 submitters: Uncertain significance (2). Last evaluated 2025-08-18.

Conditions:
Familial thoracic aortic aneurysm and aortic dissection (TAAD). Also called: Thoracic aortic aneurysms and dissections. Identifiers: Orphanet 91387, MedGen C4707243, MONDO:0019625.
Loeys-Dietz syndrome 4 (LDS4). Also called: ANEURYSM, AORTIC AND CEREBRAL, WITH ARTERIAL TORTUOSITY AND SKELETAL MANIFESTATIONS; TGFB2-Related Loeys-Dietz Syndrome. Identifiers: MedGen C3553762, MONDO:0013897, OMIM 614816.

Allele frequency attached by ClinVar (database versions not stated): gnomAD exomes 0.00001.
gnomAD v4.1: 7 of 1,612,336 alleles (0.00043%); highest among the groups gnomAD compares: East Asian, 0.0022%; no homozygotes.

Submissions (2):

Labcorp Genetics (formerly Invitae), Labcorp
Classification: Uncertain significance for Loeys-Dietz syndrome 4. Last evaluated: 2025-08-18. Review status: criteria provided, single submitter. Criteria: Invitae Variant Classification Sherloc (09022015). Collection method: clinical testing. Allele origin: germline.
Comment: This sequence change replaces glutamic acid, which is acidic and polar, with lysine, which is basic and polar, at codon 337 of the TGFB2 protein (p.Glu337Lys). This variant is not present in population databases (gnomAD no frequency). This variant has not been reported in the literature in individuals affected with TGFB2-related conditions. ClinVar contains an entry for this variant (Variation ID: 647139). Invitae Evidence Modeling of protein sequence and biophysical properties (such as structural, functional, and spatial information, amino acid conservation, physicochemical variation, residue mobility, and thermodynamic stability) indicates that this missense variant is not expected to disrupt TGFB2 protein function with a negative predictive value of 80%. In summary, the available evidence is currently insufficient to determine the role of this variant in disease. Therefore, it has been classified as a Variant of Uncertain Significance.

Ambry Genetics
Classification: Uncertain significance for Familial thoracic aortic aneurysm and aortic dissection. Last evaluated: 2024-11-01. Review status: criteria provided, single submitter. Criteria: Ambry Variant Classification Scheme 2023. Collection method: clinical testing. Allele origin: germline.
Comment: The p.E337K variant (also known as c.1009G>A), located in coding exon 6 of the TGFB2 gene, results from a G to A substitution at nucleotide position 1009. The glutamic acid at codon 337 is replaced by lysine, an amino acid with similar properties. This amino acid position is conserved. In addition, this alteration is predicted to be deleterious by in silico analysis. Since supporting evidence is limited at this time, the clinical significance of this alteration remains unclear.